The following is an entry in ClinVar:

ClinVar aggregate classification (germline): Likely pathogenic (1 of 4 stars; one submission).

Conditions:
Holoprosencephaly 3 (HPE3). Identifiers: Orphanet 2162, MedGen C1840529, MONDO:0007733, OMIM 142945.

Submission:

Genetics and Molecular Pathology, SA Pathology
Classification: Likely pathogenic for Holoprosencephaly 3. Last evaluated: 2022-08-19. Review status: criteria provided, single submitter. Criteria: ACMG Guidelines, 2015. Collection method: clinical testing. Allele origin: germline. Affected: yes.
Comment: The SHH c.431G>A variant is classified as LIKELY PATHOGENIC (PM1_Supporting, PM2, PM5, PP1, PP3) The SHH c.431G>A variant is a single nucleotide change in exon 2/3 of the SHH gene, which is predicted to change the amino acid arginine at position 144 in the protein to histidine. This variant is absent from population databases (PM2). This variant is located in the conserved signalling domain SHH-N (PM1_supporting). The different missense changes p.(Arg144Leu) and p.(Arg144Pro) have also been reported in cases of holoprocencephaly (PMID: 22791840, PMID: 19603532, PMID: 32939873) (PM5). On the other hand, zebrafish in vivo studies showed rescue of normal SHH function in shha -/- knockouts when human synthetic mRNA for the p.(Arg144Leu) variant was injected (PMID: 32939873), although it was noted that there was poor overlap with functional predictions from cell-based assays published in an earlier study (PS3/BS3 not applied). Computational predictions support a deleterious effect of the p.(Arg144His) variant on the gene or gene product (PP3). This variant has not been reported in dbSNP or ClinVar. This variant has been reported in the HGMD database: CM126229.

Literature cited by the submitters: PubMed 19603532; PubMed 22791840; PubMed 32939873.

NM_000193.4(SHH):c.431G>A (p.Arg144His)

Gene: SHH (sonic hedgehog signaling molecule; minus strand). Cytogenetic location: 7q36.3.
Variant type: single nucleotide variant.
Coding change: c.431G>A on transcript NM_000193.4 (MANE Select); coding-DNA position 431, G replaced by A.
Protein change: p.Arg144His; replaces arginine 144 with histidine.
Molecular consequence: missense variant. On other transcripts: non-coding transcript variant (2).
Genome position (GRCh38, 1-based): chr7:155,806,427, C>T on the plus strand (G>A on the coding strand, the complement: SHH is on the minus strand). VCF-style: chr7-155806427-C-T. GRCh37 (hg19) VCF-style: chr7-155599121-C-T.
Other names: c.170G>A, p.Arg57His (NM_001310462.2); short protein forms R144H, R57H.
Identifiers: ClinVar variation 2664697 (VCV002664697.1), dbSNP rs2535901206, ClinGen allele CA370148619.